The following is an entry in ClinVar:

ClinVar aggregate classification (germline): Uncertain significance (1 of 4 stars; one submission).

Conditions:
Inborn genetic diseases. Identifiers: MedGen C0950123, MeSH D030342.

gnomAD v4.1: 2 of 1,613,944 alleles (0.00012%); highest among the groups gnomAD compares: East Asian, 0.0022%; no homozygotes.

Submission:

Ambry Genetics
Classification: Uncertain significance for Inborn genetic diseases. Last evaluated: 2025-03-15. Review status: criteria provided, single submitter. Criteria: Ambry Variant Classification Scheme 2023. Collection method: clinical testing. Allele origin: germline.
Comment: The p.T639A variant (also known as c.1915A>G), located in coding exon 1 of the SAMD9 gene, results from an A to G substitution at nucleotide position 1915. The threonine at codon 639 is replaced by alanine, an amino acid with similar properties. This amino acid position is conserved. In addition, this alteration is predicted to be tolerated by in silico analysis. Based on the available evidence, the clinical significance of this variant remains unclear.

NM_017654.4(SAMD9):c.1915A>G (p.Thr639Ala)

Gene: SAMD9 (sterile alpha motif domain containing 9; minus strand). Cytogenetic location: 7q21.2.
Variant type: single nucleotide variant.
Coding change: c.1915A>G on transcript NM_017654.4 (MANE Select); coding-DNA position 1915, A replaced by G.
Protein change: p.Thr639Ala; replaces threonine 639 with alanine.
Molecular consequence: missense variant.
Genome position (GRCh38, 1-based): chr7:93,104,183, T>C on the plus strand (A>G on the coding strand, the complement: SAMD9 is on the minus strand). VCF-style: chr7-93104183-T-C. GRCh37 (hg19) VCF-style: chr7-92733496-T-C.
Other names: c.1915A>G, p.Thr639Ala (NM_001193307.2); short protein forms T639A.
Identifiers: ClinVar variation 3949452 (VCV003949452.1).